The following is an entry in ClinVar:

ClinVar aggregate classification (germline): Uncertain significance (1 of 4 stars; one submission).

Conditions:
Dilated cardiomyopathy 1W (CMD1W). Identifiers: Orphanet 154, MedGen C1969639, MONDO:0012667, OMIM 611407.

Submission:

Labcorp Genetics (formerly Invitae), Labcorp
Classification: Uncertain significance for Dilated cardiomyopathy 1W. Last evaluated: 2023-10-04. Review status: criteria provided, single submitter. Criteria: Invitae Variant Classification Sherloc (09022015). Collection method: clinical testing. Allele origin: unknown.
Comment: A copy number gain of the genomic region encompassing the full coding sequence of the VCL gene has been identified. The boundaries of this event are unknown as they extend beyond the assayed region for this gene and therefore may encompass additional genes. As the precise location of this event is unknown, it may be in tandem or it may be located elsewhere in the genome. This variant has not been reported in the literature in individuals affected with VCL-related conditions. In summary, the available evidence is currently insufficient to determine the role of this variant in disease. Therefore, it has been classified as a Variant of Uncertain Significance.

NC_000010.10:g.(?_75757966)_(75877927_?)dup

Gene: VCL (vinculin; plus strand). Cytogenetic location: 10q22.2.
Variant type: Duplication.
Identifiers: ClinVar variation 3244890 (VCV003244890.1).